The following is an entry in ClinVar:

NM_024649.5(BBS1):c.1695+10G>A

Genes: BBS1 (Bardet-Biedl syndrome 1; plus strand), ZDHHC24 (zDHHC palmitoyltransferase 24; minus strand). Cytogenetic location: 11q13.2.
Variant type: single nucleotide variant.
Coding change: c.1695+10G>A on transcript NM_024649.5 (MANE Select); 10 bases into the intron after coding-DNA position 1695, G replaced by A.
Molecular consequence: intron variant.
Genome position (GRCh38, 1-based): chr11:66,531,752, G>A. VCF-style: chr11-66531752-G-A. GRCh37 (hg19) VCF-style: chr11-66299223-G-A.
Other names: c.560-2264C>T (NM_001348571.2).
Identifiers: ClinVar variation 305471 (VCV000305471.22), dbSNP rs200276861, ClinGen allele CA6123858.

ClinVar aggregate classification (germline): Benign. Review status: criteria provided, multiple submitters, no conflicts (2 of 4 stars). 6 submissions from 6 submitters: Benign (3). 3 of the submissions do not count toward it. Last evaluated 2026-02-04.

Conditions:
Bardet-Biedl syndrome 1 (BBS1). Identifiers: MedGen C2936862, MONDO:0008854, OMIM 209900. Disease mechanism: loss of function.
Bardet-Biedl syndrome (BBS). Identifiers: Orphanet 110, MedGen C0752166, MONDO:0015229.

Allele frequency attached by ClinVar (database versions not stated): gnomAD 0.00123 and 0.00029; 1000 Genomes Project 30x 0.00562; ESP Exome Variant Server 0.00023; gnomAD exomes 0.00164 and 0.00350; ExAC 0.00379; 1000 Genomes Project 0.00639; TOPMed 0.00029.
gnomAD v4.1: 2,593 of 1,613,982 alleles (0.16%); highest among the groups gnomAD compares: South Asian, 2.6%; 42 homozygotes.

Submissions (6):

Labcorp Genetics (formerly Invitae), Labcorp
Classification: Benign for Bardet-Biedl syndrome. Last evaluated: 2026-02-04. Review status: criteria provided, single submitter. Criteria: Invitae Variant Classification Sherloc (09022015). Collection method: clinical testing. Allele origin: germline.

Illumina Laboratory Services, Illumina
Classification: Benign for Bardet-Biedl syndrome 1. Last evaluated: 2018-01-12. Review status: criteria provided, single submitter. Criteria: ICSL Variant Classification Criteria 13 December 2019. Collection method: clinical testing. Allele origin: germline.
Comment: This variant was observed in the ICSL laboratory as part of a predisposition screen in an ostensibly healthy population. It had not been previously curated by ICSL or reported in the Human Gene Mutation Database (HGMD: prior to June 1st, 2018), and was therefore a candidate for classification through an automated scoring system. Utilizing variant allele frequency, disease prevalence and penetrance estimates, and inheritance mode, an automated score was calculated to assess if this variant is too frequent to cause the disease. Based on the score and internal cut-off values, a variant classified as benign is not then subjected to further curation. The score for this variant resulted in a classification of benign for this disease.

Genetic Services Laboratory, University of Chicago
Classification: Benign. Last evaluated: 2017-08-25. Review status: criteria provided, single submitter. Criteria: ACMG Guidelines, 2015. Collection method: clinical testing. Allele origin: germline. Affected: no.

Natera, Inc.
Classification: Benign for Bardet-Biedl syndrome type 1. Last evaluated: 2020-09-16. Review status: no assertion criteria provided. Collection method: clinical testing. Allele origin: germline. Not counted in ClinVar's aggregate classification.

Clinical Genetics DNA and cytogenetics Diagnostics Lab, Erasmus MC, Erasmus Medical Center
Classification: Benign. Review status: no assertion criteria provided. Collection method: clinical testing. Allele origin: germline. Affected: yes. Study: VKGL Data-share Consensus. Not counted in ClinVar's aggregate classification.

Genome Diagnostics Laboratory, University Medical Center Utrecht
Classification: Likely benign. Review status: no assertion criteria provided. Collection method: clinical testing. Allele origin: germline. Affected: yes. Study: VKGL Data-share Consensus. Not counted in ClinVar's aggregate classification.